The following is an entry in ClinVar:

NM_152617.4(RNF168):c.975dup (p.Cys326fs)

Gene: RNF168 (ring finger protein 168; minus strand). Cytogenetic location: 3q29.
Variant type: Duplication.
Coding change: c.975dup on transcript NM_152617.4 (MANE Select); coding-DNA position 975, one base duplicated (A; older notation c.975dupA).
Protein change: p.Cys326fs; shifts the reading frame from cysteine 326.
Molecular consequence: frameshift variant.
Genome position (GRCh38, 1-based): chr3:196,472,560, T duplicated on the plus strand (A on the coding strand, the reverse complement: RNF168 is on the minus strand). VCF-style (leftmost placement, unchanged base first): chr3-196472559-A-AT. GRCh37 (hg19) VCF-style: chr3-196199430-A-AT.
Other names: short protein forms C326fs.
Identifiers: ClinVar variation 1429795 (VCV001429795.8), dbSNP rs755085531, ClinGen allele CA90839525.

ClinVar aggregate classification (germline): Pathogenic (1 of 4 stars; one submission).

Allele frequency attached by ClinVar (database versions not stated): gnomAD exomes below 0.00001.

Submission:

Labcorp Genetics (formerly Invitae), Labcorp
Classification: Pathogenic. Last evaluated: 2023-07-14. Review status: criteria provided, single submitter. Criteria: Invitae Variant Classification Sherloc (09022015). Collection method: clinical testing. Allele origin: germline.
Comment: For these reasons, this variant has been classified as Pathogenic. This variant disrupts a region of the RNF168 protein in which other variant(s) (p.Arg332*) have been determined to be pathogenic (Invitae). This suggests that this is a clinically significant region of the protein, and that variants that disrupt it are likely to be disease-causing. ClinVar contains an entry for this variant (Variation ID: 1429795). This variant has not been reported in the literature in individuals affected with RNF168-related conditions. This variant is present in population databases (rs755085531, gnomAD 0.0009%). This sequence change creates a premature translational stop signal (p.Cys326Metfs*9) in the RNF168 gene. While this is not anticipated to result in nonsense mediated decay, it is expected to disrupt the last 246 amino acid(s) of the RNF168 protein.